The following is an entry in ClinVar:

ClinVar aggregate classification (germline): Likely benign. Review status: criteria provided, multiple submitters, no conflicts (2 of 4 stars). 2 submissions from 2 submitters: Likely benign (2). Last evaluated 2025-08-01.

Allele frequency attached by ClinVar (database versions not stated): ExAC 0.00024; TOPMed 0.00027; gnomAD 0.00030; 1000 Genomes Project 0.00040; 1000 Genomes Project 30x 0.00047; ESP Exome Variant Server 0.00054.

Submissions (2):

Ambry Genetics
Classification: Likely benign. Last evaluated: 2025-08-01. Review status: criteria provided, single submitter. Criteria: Ambry Variant Classification Scheme 2023. Collection method: clinical testing. Allele origin: germline.

CeGaT Center for Human Genetics Tuebingen
Classification: Likely benign. Last evaluated: 2022-09-01. Review status: criteria provided, single submitter. Criteria: CeGaT Center For Human Genetics Tuebingen Variant Classification Criteria Version 2. Collection method: clinical testing. Allele origin: germline. Affected: yes. Observed: 1 variant allele.
Comment: POLR3H: BP4, BP7

NM_001018050.4(POLR3H):c.360C>T (p.Phe120=)

Gene: POLR3H (RNA polymerase III subunit H; minus strand). Cytogenetic location: 22q13.2.
Variant type: single nucleotide variant.
Coding change: c.360C>T on transcript NM_001018050.4 (MANE Select); coding-DNA position 360, C replaced by T.
Protein change: p.Phe120=; no amino-acid change (phenylalanine 120 retained).
Molecular consequence: synonymous variant.
Genome position (GRCh38, 1-based): chr22:41,530,888, G>A on the plus strand (C>T on the coding strand, the complement: POLR3H is on the minus strand). VCF-style: chr22-41530888-G-A. GRCh37 (hg19) VCF-style: chr22-41926892-G-A.
Other names: c.273C>T, p.Phe91= (NM_001018052.4); c.360C>T, p.Phe120= (NM_001282884.2, NM_001282885.2, NM_138338.5); c.360C>T (NM_001018050.2).
Identifiers: ClinVar variation 2653233 (VCV002653233.25), dbSNP rs145655899, ClinGen allele CA10258129.
Genomic context (GRCh38, chr22:41,530,888, plus strand): 5'-GAGGTCGTGTGCTCCTTCCTCCGTCTCGTACTCCCACACCCACACCTGCTCCGCTTCGTC[G>A]CTGAGGGGGTCCAGGGTCAAGGCAGCAACCAGATAGTGGGAGGGGCTTCCCTCAGCACCC-3'
Protein context (NP_001018060.1, residues 110-130): PPESLQQPAK[Phe120=]DEAEQVWVWE